The following is an entry in ClinVar:

ClinVar aggregate classification (germline): Pathogenic (1 of 4 stars; one submission).

Submission:

Labcorp Genetics (formerly Invitae), Labcorp
Classification: Pathogenic. Last evaluated: 2024-03-14. Review status: criteria provided, single submitter. Criteria: Invitae Variant Classification Sherloc (09022015). Collection method: clinical testing. Allele origin: germline.
Comment: This sequence change creates a premature translational stop signal (p.Gln78*) in the TANGO2 gene. It is expected to result in an absent or disrupted protein product. Loss-of-function variants in TANGO2 are known to be pathogenic (PMID: 26805781, 26805782). This variant is not present in population databases (gnomAD no frequency). This variant has not been reported in the literature in individuals affected with TANGO2-related conditions. For these reasons, this variant has been classified as Pathogenic.

Literature cited by the submitters: PubMed 26805781; PubMed 26805782.

NM_152906.7(TANGO2):c.232C>T (p.Gln78Ter)

Gene: TANGO2 (transport and golgi organization 2 homolog; plus strand). Cytogenetic location: 22q11.21.
Variant type: single nucleotide variant.
Coding change: c.232C>T on transcript NM_152906.7 (MANE Select); coding-DNA position 232, C replaced by T.
Protein change: p.Gln78Ter; replaces glutamine 78 with a stop codon.
Molecular consequence: nonsense. On other transcripts: missense variant (12), non-coding transcript variant (5).
Genome position (GRCh38, 1-based): chr22:20,052,551, C>T. VCF-style: chr22-20052551-C-T. GRCh37 (hg19) VCF-style: chr22-20040074-C-T.
Other names: c.232C>T, p.Gln78Ter (NM_001283106.3, NM_001283116.3, NM_001283148.3 and 10 more transcripts); c.355C>T, p.Gln119Ter (NM_001283129.3, NM_001283215.3, NM_001322141.2 and 5 more transcripts); c.53C>T, p.Ala18Val (NM_001283235.3, NM_001322146.2, NM_001322148.2 and 9 more transcripts); short protein forms A18V, Q119*, Q78*.
Identifiers: ClinVar variation 3623368 (VCV003623368.2).